The following is an entry in ClinVar:

ClinVar aggregate classification (germline): Uncertain significance (1 of 4 stars; one submission).

Conditions:
Familial intrahepatic cholestasis. Identifiers: Orphanet 284385, MedGen CN296401, MONDO:0017290.

Submission:

Genomenon, Inc
Classification: Uncertain significance for Familial intrahepatic cholestasis. Last evaluated: 2026-04-14. Review status: criteria provided, single submitter. Criteria: Genomenon Sequence Variant Interpretation Standards - Updated. Collection method: curation. Allele origin: germline. Affected: yes.
Comment: ATP8B1 p.Gly702Arg (c.2104G>C) is a missense variant that changes the amino acid at residue 702 from Glycine to Arginine. This variant has been observed in at least one proband with features of ATP8B1-deficiency (PMID:20232290). It has been observed in trans with a pathogenic or likely pathogenic variant (PMID:20232290). It is absent or not present at a significant frequency in gnomAD. In silico models predict that this variant is possibly or probably damaging. In conclusion, we classify ATP8B1 p.Gly702Arg (c.2104G>C) as a variant of uncertain significance.

Literature cited by the submitters: PubMed 20232290.

NM_001374385.1(ATP8B1):c.2104G>C (p.Gly702Arg)

Genes: ATP8B1 (ATPase phospholipid transporting 8B1; minus strand), ATP8B1-AS1 (ATP8B1 antisense RNA 1; plus strand). Cytogenetic location: 18q21.31.
Variant type: single nucleotide variant.
Coding change: c.2104G>C on transcript NM_001374385.1 (MANE Select); coding-DNA position 2104, G replaced by C.
Protein change: p.Gly702Arg; replaces glycine 702 with arginine.
Molecular consequence: missense variant. On other transcripts: non-coding transcript variant (1).
Genome position (GRCh38, 1-based): chr18:57,668,534, C>G on the plus strand (G>C on the coding strand, the complement: ATP8B1 is on the minus strand). VCF-style: chr18-57668534-C-G. GRCh37 (hg19) VCF-style: chr18-55335766-C-G.
Other names: c.1954G>C, p.Gly652Arg (NM_001374386.1); c.2104G>C, p.Gly702Arg (NM_005603.6); short protein forms G652R, G702R.
Identifiers: ClinVar variation 4846132 (VCV004846132.1).